The following is an entry in ClinVar:

NM_005562.3(LAMC2):c.640+1G>A

Gene: LAMC2 (laminin subunit gamma 2; plus strand). Cytogenetic location: 1q25.3.
Variant type: single nucleotide variant.
Coding change: c.640+1G>A on transcript NM_005562.3 (MANE Select); the canonical splice donor site of the intron after coding-DNA position 640, G replaced by A.
Molecular consequence: splice donor variant.
Genome position (GRCh38, 1-based): chr1:183,220,962, G>A. VCF-style: chr1-183220962-G-A. GRCh37 (hg19) VCF-style: chr1-183190097-G-A.
Other names: c.640+1G>A (NM_018891.3).
Identifiers: ClinVar variation 1067977 (VCV001067977.9), dbSNP rs1183519794, ClinGen allele CA343678034.

ClinVar aggregate classification (germline): Likely pathogenic. Review status: criteria provided, multiple submitters, no conflicts (2 of 4 stars). 2 submissions from 2 submitters: Likely pathogenic (2). Last evaluated 2026-01-20.

Conditions:
Epidermolysis bullosa, junctional 3A, intermediate. Also called: EPIDERMOLYSIS BULLOSA, JUNCTIONAL 3A, GENERALIZED INTERMEDIATE; EPIDERMOLYSIS BULLOSA, JUNCTIONAL 3A, NON-HERLITZ TYPE. Identifiers: MedGen C5676938, MONDO:0030748, OMIM 619785.
Epidermolysis bullosa, junctional 3B, severe. Also called: EPIDERMOLYSIS BULLOSA, JUNCTIONAL 3B, GENERALIZED SEVERE; EPIDERMOLYSIS BULLOSA, JUNCTIONAL 3B, HERLITZ TYPE. Identifiers: MedGen C5676939, MONDO:0030749, OMIM 619786.

Allele frequency attached by ClinVar (database versions not stated): gnomAD exomes below 0.00001.
gnomAD v4.1: 4 of 1,614,092 alleles (0.00025%); no homozygotes.

Submissions (2):

Labcorp Genetics (formerly Invitae), Labcorp
Classification: Likely pathogenic. Last evaluated: 2026-01-20. Review status: criteria provided, single submitter. Criteria: Invitae Variant Classification Sherloc (09022015). Collection method: clinical testing. Allele origin: germline.
Comment: This sequence change affects a donor splice site in intron 5 of the LAMC2 gene. It is expected to disrupt RNA splicing. Variants that disrupt the donor or acceptor splice site typically lead to a loss of protein function (PMID: 16199547), and loss-of-function variants in LAMC2 are known to be pathogenic (PMID: 11907499, 16473856). This variant is present in population databases (no rsID available, gnomAD 0.01%). This variant has not been reported in the literature in individuals affected with LAMC2-related conditions. ClinVar contains an entry for this variant (Variation ID: 1067977). Algorithms developed to predict the effect of sequence changes on RNA splicing suggest that this variant may disrupt the consensus splice site. In summary, the currently available evidence indicates that the variant is pathogenic, but additional data are needed to prove that conclusively. Therefore, this variant has been classified as Likely Pathogenic.

Fulgent Genetics
Classification: Likely pathogenic for Epidermolysis bullosa, junctional 3A, intermediate; Epidermolysis bullosa, junctional 3B, severe. Last evaluated: 2024-06-01. Review status: criteria provided, single submitter. Criteria: ACMG Guidelines, 2015. Collection method: clinical testing. Allele origin: germline.

Literature cited by the submitters: PubMed 16199547 (cited by Labcorp Genetics (formerly Invitae), Labcorp); PubMed 11907499 (cited by Labcorp Genetics (formerly Invitae), Labcorp); PubMed 16473856 (cited by Labcorp Genetics (formerly Invitae), Labcorp).